The following is an entry in ClinVar:

ClinVar aggregate classification (germline): Uncertain significance. Review status: criteria provided, multiple submitters, no conflicts (2 of 4 stars). 2 submissions from 2 submitters: Uncertain significance (2). Last evaluated 2025-04-19.

Conditions:
Dyskeratosis congenita. Identifiers: Orphanet 1775, MedGen C0265965, MONDO:0015780.
Dyskeratosis congenita, autosomal dominant 2. Identifiers: MedGen C3151443, MONDO:0013521, OMIM 613989.
Idiopathic Pulmonary Fibrosis. Also called: Idiopathic fibrosing alveolitis, chronic form; idiopathic fibrosing alveolitis. Identifiers: Orphanet 2032, MedGen C1800706, MeSH D054990, MONDO:0800504.

Allele frequency attached by ClinVar (database versions not stated): gnomAD exomes below 0.00001 and 0.00001; ExAC 0.00005.
gnomAD v4.1: 2 of 1,551,902 alleles (0.00013%); highest among the groups gnomAD compares: South Asian, 0.0024%; no homozygotes.

Submissions (2):

Ambry Genetics
Classification: Uncertain significance for Dyskeratosis congenita. Last evaluated: 2025-04-19. Review status: criteria provided, single submitter. Criteria: Ambry Variant Classification Scheme 2023. Collection method: clinical testing. Allele origin: germline.
Comment: The p.I364V variant (also known as c.1090A>G), located in coding exon 2 of the TERT gene, results from an A to G substitution at nucleotide position 1090. The isoleucine at codon 364 is replaced by valine, an amino acid with highly similar properties. This amino acid position is conserved. In addition, the in silico prediction for this alteration is inconclusive. Based on the available evidence, the clinical significance of this variant remains unclear.

Labcorp Genetics (formerly Invitae), Labcorp
Classification: Uncertain significance for Dyskeratosis congenita, autosomal dominant 2; Idiopathic Pulmonary Fibrosis. Last evaluated: 2021-08-28. Review status: criteria provided, single submitter. Criteria: Invitae Variant Classification Sherloc (09022015). Collection method: clinical testing. Allele origin: germline.
Comment: This sequence change replaces isoleucine with valine at codon 364 of the TERT protein (p.Ile364Val). The isoleucine residue is highly conserved and there is a small physicochemical difference between isoleucine and valine. This variant is present in population databases (rs748699440, ExAC 0.01%). This variant has not been reported in the literature in individuals affected with TERT-related conditions. Algorithms developed to predict the effect of missense changes on protein structure and function output the following: SIFT: "Tolerated"; PolyPhen-2: "Benign"; Align-GVGD: "Class C0". The valine amino acid residue is found in multiple mammalian species, which suggests that this missense change does not adversely affect protein function. In summary, the available evidence is currently insufficient to determine the role of this variant in disease. Therefore, it has been classified as a Variant of Uncertain Significance.

NM_198253.3(TERT):c.1090A>G (p.Ile364Val)

Gene: TERT (telomerase reverse transcriptase; minus strand). Cytogenetic location: 5p15.33.
Variant type: single nucleotide variant.
Coding change: c.1090A>G on transcript NM_198253.3 (MANE Select); coding-DNA position 1090, A replaced by G.
Protein change: p.Ile364Val; replaces isoleucine 364 with valine.
Molecular consequence: missense variant. On other transcripts: non-coding transcript variant (2).
Genome position (GRCh38, 1-based): chr5:1,293,796, T>C on the plus strand (A>G on the coding strand, the complement: TERT is on the minus strand). VCF-style: chr5-1293796-T-C. GRCh37 (hg19) VCF-style: chr5-1293911-T-C.
Other names: c.1090A>G, p.Ile364Val (NM_001193376.3); short protein forms I364V.
Identifiers: ClinVar variation 844098 (VCV000844098.8), dbSNP rs748699440, ClinGen allele CA3184878.